The following is an entry in ClinVar:

ClinVar aggregate classification (germline): Uncertain significance. Review status: criteria provided, multiple submitters, no conflicts (2 of 4 stars). 2 submissions from 2 submitters: Uncertain significance (2). Last evaluated 2025-10-29.

Allele frequency attached by ClinVar (database versions not stated): ExAC 0.00002; gnomAD 0.00002; gnomAD exomes 0.00002; TOPMed 0.00004.
gnomAD v4.1: 31 of 1,613,866 alleles (0.0019%); highest among the groups gnomAD compares: Middle Eastern, 0.033%; no homozygotes.

Submissions (2):

Ambry Genetics
Classification: Uncertain significance. Last evaluated: 2025-10-29. Review status: criteria provided, single submitter. Criteria: Ambry Variant Classification Scheme 2023. Collection method: clinical testing. Allele origin: germline.

Labcorp Genetics (formerly Invitae), Labcorp
Classification: Uncertain significance. Last evaluated: 2023-09-08. Review status: criteria provided, single submitter. Criteria: Invitae Variant Classification Sherloc (09022015). Collection method: clinical testing. Allele origin: germline.
Comment: This variant has not been reported in the literature in individuals affected with ZNF687-related conditions. An algorithm developed to predict the effect of missense changes on protein structure and function (PolyPhen-2) suggests that this variant is likely to be tolerated. In summary, the available evidence is currently insufficient to determine the role of this variant in disease. Therefore, it has been classified as a Variant of Uncertain Significance. This variant is present in population databases (rs762198505, gnomAD 0.02%). This sequence change replaces glycine, which is neutral and non-polar, with aspartic acid, which is acidic and polar, at codon 1165 of the ZNF687 protein (p.Gly1165Asp).

NM_020832.3(ZNF687):c.3494G>A (p.Gly1165Asp)

Gene: ZNF687 (zinc finger protein 687; plus strand). Cytogenetic location: 1q21.3.
Variant type: single nucleotide variant.
Coding change: c.3494G>A on transcript NM_020832.3 (MANE Select); coding-DNA position 3494, G replaced by A.
Protein change: p.Gly1165Asp; replaces glycine 1165 with aspartic acid.
Molecular consequence: missense variant.
Genome position (GRCh38, 1-based): chr1:151,290,989, G>A. VCF-style: chr1-151290989-G-A. GRCh37 (hg19) VCF-style: chr1-151263465-G-A.
Other names: c.3494G>A, p.Gly1165Asp (NM_001304763.2, NM_001304764.2); c.3494G>A (NM_020832.1); short protein forms G1165D.
Identifiers: ClinVar variation 2900942 (VCV002900942.4), dbSNP rs762198505, ClinGen allele CA1088890.
Genomic context (GRCh38, chr1:151,290,989, plus strand): 5'-CCTCCCCTGGCTCCCTGAGCCGACACCGTTTCATCAGCCACAAGAAGAGACGGGGTGTGG[G>A]TAAAGCCAGTGCCCTGGGGCTGGGGGATGGGGAGGAAGAGGCCCCTCCATCAAGGTCTGA-3'
Protein context (NP_065883.1, residues 1155-1175): FISHKKRRGV[Gly1165Asp]KASALGLGDG